The following is an entry in ClinVar:

NM_000207.3(INS):c.188-15G>A

Genes: INS (insulin; minus strand), INS-IGF2 (INS-IGF2 readthrough; minus strand). Cytogenetic location: 11p15.5.
Variant type: single nucleotide variant.
Coding change: c.188-15G>A on transcript NM_000207.3 (MANE Select); 15 bases into the intron before coding-DNA position 188, G replaced by A.
Molecular consequence: intron variant.
Genome position (GRCh38, 1-based): chr11:2,160,012, C>T on the plus strand (G>A on the coding strand, the complement: INS is on the minus strand). VCF-style: chr11-2160012-C-T. GRCh37 (hg19) VCF-style: chr11-2181242-C-T.
Other names: c.187+773G>A (NM_001042376.3); c.188-15G>A (NM_001185097.2, NM_001291897.2, NM_001185098.2).
Identifiers: ClinVar variation 3720982 (VCV003720982.2).

ClinVar aggregate classification (germline): Uncertain significance (1 of 4 stars; one submission).

gnomAD v4.1: 9 of 1,573,134 alleles (0.00057%); highest among the groups gnomAD compares: Admixed American, 0.0018%; no homozygotes.

Submission:

Labcorp Genetics (formerly Invitae), Labcorp
Classification: Uncertain significance. Last evaluated: 2024-03-04. Review status: criteria provided, single submitter. Criteria: Invitae Variant Classification Sherloc (09022015). Collection method: clinical testing. Allele origin: germline.
Comment: This sequence change falls in intron 2 of the INS gene. It does not directly change the encoded amino acid sequence of the INS protein. The frequency data for this variant in the population databases is considered unreliable, as metrics indicate poor data quality at this position in the gnomAD database. This variant has been observed in individual(s) with autosomal recessive permanent neonatal diabetes mellitus (PMID: 27487489, 31291970). It has also been observed to segregate with disease in related individuals. Algorithms developed to predict the effect of sequence changes on RNA splicing suggest that this variant may disrupt the consensus splice site. In summary, the available evidence is currently insufficient to determine the role of this variant in disease. Therefore, it has been classified as a Variant of Uncertain Significance.

Literature cited by the submitters: PubMed 27487489; PubMed 31291970.